The following is an entry in ClinVar:

ClinVar aggregate classification (germline): Uncertain significance. Review status: criteria provided, multiple submitters, no conflicts (2 of 4 stars). 5 submissions from 5 submitters: Uncertain significance (5). Last evaluated 2025-03-13.

Conditions:
Cardiac arrhythmia. Also called: Cardiac rhythm disease; Arrhythmia. Identifiers: MedGen C0003811, MONDO:0007263, HP:0011675.
Cardiovascular phenotype. Identifiers: MedGen CN230736.
Long QT syndrome (LQTS). Identifiers: MedGen C0023976, MeSH D008133, MONDO:0002442. Disease mechanism: loss of function. Inheritance: Various modes of inheritance.

Allele frequency attached by ClinVar (database versions not stated): ExAC 0.00002; gnomAD 0.00001; gnomAD exomes 0.00002.
gnomAD v4.1: 23 of 1,612,516 alleles (0.0014%); highest among the groups gnomAD compares: South Asian, 0.0088%; no homozygotes.

Submissions (5):

Women's Health and Genetics/Laboratory Corporation of America, LabCorp
Classification: Uncertain significance. Last evaluated: 2025-03-13. Review status: criteria provided, single submitter. Criteria: LabCorp Variant Classification Summary - May 2015. Collection method: clinical testing. Allele origin: germline.
Comment: Variant summary: KCNH2 c.1066C>T (p.Arg356Cys) results in a non-conservative amino acid change in the encoded protein sequence. Five of five in-silico tools predict a damaging effect of the variant on protein function. The variant allele was found at a frequency of 2e-05 in 246464 control chromosomes. The available data on variant occurrences in the general population are insufficient to allow any conclusion about variant significance. c.1066C>T has been reported in the literature in an individual affected with long QT syndrome, however it was also found together with a missense VUS in KCNQ1, both of which were also carried by the reportedly unaffected father (Bora_2023). This report does not provide unequivocal conclusions about association of the variant with Arrhythmia or long QT syndrome. To our knowledge, no experimental evidence demonstrating an impact on protein function has been reported. The following publication has been ascertained in the context of this evaluation (PMID: 37901857). ClinVar contains an entry for this variant (Variation ID: 925269). Based on the evidence outlined above, the variant was classified as uncertain significance.

Ambry Genetics
Classification: Uncertain significance for Cardiovascular phenotype. Last evaluated: 2025-01-06. Review status: criteria provided, single submitter. Criteria: Ambry Variant Classification Scheme 2023. Collection method: clinical testing. Allele origin: germline.
Comment: The p.R356C variant (also known as c.1066C>T), located in coding exon 5 of the KCNH2 gene, results from a C to T substitution at nucleotide position 1066. The arginine at codon 356 is replaced by cysteine, an amino acid with highly dissimilar properties. This variant co-occurred with a variant in the KCNQ1 gene in an individual with features consistent with long QT syndrome (Bora E et al. Mol Syndromol, 2023 Oct;14:363-374). This amino acid position is not well conserved in available vertebrate species. In addition, the in silico prediction for this alteration is inconclusive. Based on the available evidence, the clinical significance of this variant remains unclear.

All of Us Research Program, National Institutes of Health
Classification: Uncertain significance for Long QT syndrome. Last evaluated: 2024-05-30. Review status: criteria provided, single submitter. Criteria: ACMG Guidelines, 2015. Collection method: clinical testing. Allele origin: germline. Inheritance: Autosomal dominant inheritance. Observed: 5 variant alleles, 5 heterozygotes.
Comment: This missense variant replaces arginine with cysteine at codon 356 of the KCNH2 protein. Computational prediction is inconclusive regarding the impact of this variant on protein structure and function (internally defined REVEL score threshold 0.5 < inconclusive < 0.7, PMID: 27666373). To our knowledge, functional studies have not been reported for this variant. This variant has not been reported in individuals affected with cardiovascular disorders in the literature. This variant has been identified in 5/246464 chromosomes in the general population by the Genome Aggregation Database (gnomAD). The available evidence is insufficient to determine the role of this variant in disease conclusively. Therefore, this variant is classified as a Variant of Uncertain Significance.

This study involves interpretation of variants in research participants for the purpose of population health screening. Participant phenotype was not available at the time of variant classification. Additional details can be found in publication PMID: 35346344, PMCID: PMC8962531

Labcorp Genetics (formerly Invitae), Labcorp
Classification: Uncertain significance for Long QT syndrome. Last evaluated: 2024-02-16. Review status: criteria provided, single submitter. Criteria: Invitae Variant Classification Sherloc (09022015). Collection method: clinical testing. Allele origin: germline.
Comment: This sequence change replaces arginine, which is basic and polar, with cysteine, which is neutral and slightly polar, at codon 356 of the KCNH2 protein (p.Arg356Cys). This variant is present in population databases (rs772689518, gnomAD 0.01%). This variant has not been reported in the literature in individuals affected with KCNH2-related conditions. ClinVar contains an entry for this variant (Variation ID: 925269). An algorithm developed to predict the effect of missense changes on protein structure and function (PolyPhen-2) suggests that this variant is likely to be disruptive. In summary, the available evidence is currently insufficient to determine the role of this variant in disease. Therefore, it has been classified as a Variant of Uncertain Significance.

Color Diagnostics, LLC DBA Color Health
Classification: Uncertain significance for Cardiac arrhythmia. Last evaluated: 2023-06-21. Review status: criteria provided, single submitter. Criteria: ACMG Guidelines, 2015. Collection method: clinical testing. Allele origin: germline.
Comment: This missense variant replaces arginine with cysteine at codon 356 of the KCNH2 protein. Computational prediction is inconclusive regarding the impact of this variant on protein structure and function (internally defined REVEL score threshold 0.5 < inconclusive < 0.7, PMID: 27666373). To our knowledge, functional studies have not been reported for this variant. This variant has not been reported in individuals affected with KCNH2-related disorders in the literature. This variant has been identified in 5/246464 chromosomes in the general population by the Genome Aggregation Database (gnomAD). The available evidence is insufficient to determine the role of this variant in disease conclusively. Therefore, this variant is classified as a Variant of Uncertain Significance.

Literature cited by the submitters: PubMed 37901857 (cited by Women's Health and Genetics/Laboratory Corporation of America, LabCorp and Ambry Genetics).

NM_000238.4(KCNH2):c.1066C>T (p.Arg356Cys)

Gene: KCNH2 (potassium voltage-gated channel subfamily H member 2; minus strand). Cytogenetic location: 7q36.1.
Variant type: single nucleotide variant.
Coding change: c.1066C>T on transcript NM_000238.4 (MANE Select); coding-DNA position 1066, C replaced by T.
Protein change: p.Arg356Cys; replaces arginine 356 with cysteine.
Molecular consequence: missense variant.
Genome position (GRCh38, 1-based): chr7:150,957,353, G>A on the plus strand (C>T on the coding strand, the complement: KCNH2 is on the minus strand). VCF-style: chr7-150957353-G-A. GRCh37 (hg19) VCF-style: chr7-150654441-G-A.
Other names: c.1066C>T, p.Arg356Cys (NM_172056.3); c.778C>T, p.Arg260Cys (NM_001406753.1, NM_001406756.1); c.889C>T, p.Arg297Cys (NM_001406755.1); c.766C>T, p.Arg256Cys (NM_001406757.1); short protein forms R356C, R260C, R297C, R256C.
Identifiers: ClinVar variation 925269 (VCV000925269.14), dbSNP rs772689518, ClinGen allele CA026771.